The following is an entry in ClinVar:

ClinVar aggregate classification (germline): Pathogenic (1 of 4 stars; one submission).

Conditions:
Kabuki syndrome. Also called: NIIKAWA-KUROKI SYNDROME; Kabuki make-up syndrome. Identifiers: Orphanet 2322, MedGen C0796004, MONDO:0016512.

Submission:

Labcorp Genetics (formerly Invitae), Labcorp
Classification: Pathogenic for Kabuki syndrome. Last evaluated: 2025-05-28. Review status: criteria provided, single submitter. Criteria: Invitae Variant Classification Sherloc (09022015). Collection method: clinical testing. Allele origin: germline.
Comment: This sequence change creates a premature translational stop signal (p.Asn2025*) in the KMT2D gene. It is expected to result in an absent or disrupted protein product. Loss-of-function variants in KMT2D are known to be pathogenic (PMID: 22126750). This variant is not present in population databases (gnomAD no frequency). This variant has not been reported in the literature in individuals affected with KMT2D-related conditions. ClinVar contains an entry for this variant (Variation ID: 1071461). For these reasons, this variant has been classified as Pathogenic.

Literature cited by the submitters: PubMed 22126750.

NM_003482.4(KMT2D):c.6073_6086del (p.Ala2024_Asn2025insTer)

Gene: KMT2D (lysine methyltransferase 2D; minus strand). Cytogenetic location: 12q13.12.
Variant type: Deletion.
Coding change: c.6073_6086del on transcript NM_003482.4 (MANE Select); coding-DNA positions 6073 to 6086, 14 bases deleted (AACATTAATTTTCC).
Protein change: p.Ala2024_Asn2025insTer.
Molecular consequence: nonsense.
Genome position (GRCh38, 1-based): chr12:49,042,112-49,042,125, GGAAAATTAATGTT deleted on the plus strand (AACATTAATTTTCC on the coding strand, the reverse complement: KMT2D is on the minus strand); deleting any 14 consecutive bases within chr12:49,042,112-49,042,127 gives the same sequence; the c. name uses the placement nearest the transcript's 3' end. VCF-style (leftmost placement, unchanged base first): chr12-49042111-AGGAAAATTAATGTT-A. GRCh37 (hg19) VCF-style: chr12-49435894-AGGAAAATTAATGTT-A.
Identifiers: ClinVar variation 1071461 (VCV001071461.3), dbSNP rs2120552933, ClinGen allele CA2499221716.
Genomic context (GRCh38, chr12:49,042,111, plus strand): 5'-TTGCCAGGCTGTCTCCCTTGCCCTCATCCCACAGGTACCTGGGTAGTCTTGCTTGAGATT[AGGAAAATTAATGTT>A]GGCATAGAGCACAGGTGAGATGGTGGACAGCTGGCCCAACTCCTCATCCTTCTCCCAGCG-3'